The following is an entry in ClinVar:

ClinVar aggregate classification (germline): Uncertain significance (1 of 4 stars; one submission).

Conditions:
Hereditary cancer-predisposing syndrome. Also called: Neoplastic Syndromes, Hereditary; Hereditary Cancer Syndrome; Hereditary neoplastic syndrome; Tumor predisposition. Identifiers: Orphanet 140162, MedGen C0027672, MeSH D009386, MONDO:0015356.

Submission:

Ambry Genetics
Classification: Uncertain significance for Hereditary cancer-predisposing syndrome. Last evaluated: 2023-04-13. Review status: criteria provided, single submitter. Criteria: Ambry Variant Classification Scheme 2023. Collection method: clinical testing. Allele origin: germline.
Comment: The p.N556Y variant (also known as c.1666A>T), located in coding exon 9 of the BRCA2 gene, results from an A to T substitution at nucleotide position 1666. The asparagine at codon 556 is replaced by tyrosine, an amino acid with dissimilar properties. This amino acid position is conserved. In addition, this alteration is predicted to be tolerated by in silico analysis. Since supporting evidence is limited at this time, the clinical significance of this alteration remains unclear.

NM_000059.4(BRCA2):c.1666A>T (p.Asn556Tyr)

Gene: BRCA2 (BRCA2 DNA repair associated; plus strand). Cytogenetic location: 13q13.1.
Variant type: single nucleotide variant.
Coding change: c.1666A>T on transcript NM_000059.4 (MANE Select); coding-DNA position 1666, A replaced by T.
Protein change: p.Asn556Tyr; replaces asparagine 556 with tyrosine.
Molecular consequence: missense variant. On other transcripts: non-coding transcript variant (1), intron variant (1).
Genome position (GRCh38, 1-based): chr13:32,333,144, A>T. VCF-style: chr13-32333144-A-T. GRCh37 (hg19) VCF-style: chr13-32907281-A-T.
Other names: c.1666A>T, p.Asn556Tyr (NM_001406719.1, NM_001406720.1, NM_001406721.1); c.424+2114A>T (NM_001406722.1); short protein forms N556Y.
Identifiers: ClinVar variation 2565989 (VCV002565989.2), dbSNP rs587781794, ClinGen allele CA387765054.